The following is an entry in ClinVar:

ClinVar aggregate classification (germline): Likely pathogenic. Review status: criteria provided, multiple submitters, no conflicts (2 of 4 stars). 2 submissions from 2 submitters: Likely pathogenic (2). Last evaluated 2024-03-10.

Conditions:
Neuromuscular disease caused by qualitative or quantitative defects of dysferlin. Also called: Dysferlinopathy; Qualitative or quantitative defects of dysferlin. Identifiers: Orphanet 207073, MedGen C2931687, MONDO:0016145.
Autosomal recessive limb-girdle muscular dystrophy type 2B (LGMDR2). Also called: Limb-Girdle Muscular Dystrophy Type 2B (LGMD2B); MUSCULAR DYSTROPHY, LIMB-GIRDLE, AUTOSOMAL RECESSIVE 2; MUSCULAR DYSTROPHY, LIMB-GIRDLE, TYPE 3; Limb-girdle muscular dystrophy, type 2B. Identifiers: Orphanet 268, MedGen C1850889, MONDO:0009676, OMIM 253601.

gnomAD v4.1: 3 of 1,614,152 alleles (0.00019%); highest among the groups gnomAD compares: Non-Finnish European, 0.00025%; no homozygotes.

Submissions (2):

Labcorp Genetics (formerly Invitae), Labcorp
Classification: Likely pathogenic for Neuromuscular disease caused by qualitative or quantitative defects of dysferlin. Last evaluated: 2024-03-10. Review status: criteria provided, single submitter. Criteria: Invitae Variant Classification Sherloc (09022015). Collection method: clinical testing. Allele origin: germline.
Comment: This sequence change replaces leucine, which is neutral and non-polar, with proline, which is neutral and non-polar, at codon 344 of the DYSF protein (p.Leu344Pro). This variant is not present in population databases (gnomAD no frequency). This missense change has been observed in individual(s) with DYSF-related conditions (PMID: 20595382). In at least one individual the data is consistent with being in trans (on the opposite chromosome) from a pathogenic variant. ClinVar contains an entry for this variant (Variation ID: 1698871). Advanced modeling of protein sequence and biophysical properties (such as structural, functional, and spatial information, amino acid conservation, physicochemical variation, residue mobility, and thermodynamic stability) performed at Invitae indicates that this missense variant is expected to disrupt DYSF protein function with a positive predictive value of 80%. Experimental studies have shown that this missense change affects DYSF function (PMID: 20595382, 28904177). In summary, the currently available evidence indicates that the variant is pathogenic, but additional data are needed to prove that conclusively. Therefore, this variant has been classified as Likely Pathogenic.

Genetics and Molecular Pathology, SA Pathology
Classification: Likely pathogenic for Autosomal recessive limb-girdle muscular dystrophy type 2B. Last evaluated: 2021-12-29. Review status: criteria provided, single submitter. Criteria: ACMG Guidelines, 2015. Collection method: clinical testing. Allele origin: germline. Affected: yes.

Literature cited by the submitters: PubMed 20595382 (cited by Labcorp Genetics (formerly Invitae), Labcorp); PubMed 28904177 (cited by Labcorp Genetics (formerly Invitae), Labcorp).

NM_001130987.2(DYSF):c.1127T>C (p.Leu376Pro)

Gene: DYSF (dysferlin; plus strand). Cytogenetic location: 2p13.2.
Variant type: single nucleotide variant.
Coding change: c.1127T>C on transcript NM_001130987.2 (MANE Select); coding-DNA position 1127, T replaced by C.
Protein change: p.Leu376Pro; replaces leucine 376 with proline.
Molecular consequence: missense variant.
Genome position (GRCh38, 1-based): chr2:71,520,882, T>C. VCF-style: chr2-71520882-T-C. GRCh37 (hg19) VCF-style: chr2-71748012-T-C.
Other names: c.1034T>C, p.Leu345Pro (NM_001130455.2, NM_001130983.2, NM_001130984.2 and 1 more transcripts); c.1031T>C, p.Leu344Pro (NM_001130976.2, NM_001130977.2, NM_001130978.2 and 1 more transcripts); c.1124T>C, p.Leu375Pro (NM_001130979.2, NM_001130980.2, NM_001130981.2); c.1127T>C, p.Leu376Pro (NM_001130982.2, NM_001130985.2); short protein forms L344P, L345P, L375P, L376P.
Identifiers: ClinVar variation 1698871 (VCV001698871.5), dbSNP rs2152742282, ClinGen allele CA347212192.
Genomic context (GRCh38, chr2:71,520,882, plus strand): 5'-CAGACCCTGATGACTTCTCTGCTGGGGCCAGAGGCTACCTGAAAACAAGCCTTTGTGTGC[T>C]GGGGCCTGGGGACGAAGCGCCTGTGAGTACATTTCCCTGGGTCTTCCTTACGGTCCCCCA-3'
Protein context (NP_001124459.1, residues 366-386): RGYLKTSLCV[Leu376Pro]GPGDEAPLER